The following is an entry in ClinVar:

ClinVar aggregate classification (germline): Uncertain significance (1 of 4 stars; one submission).

Conditions:
Thrombomodulin-related bleeding disorder (THPH12). Also called: Thrombophilia due to thrombomodulin defect. Identifiers: Orphanet 436169, MedGen C3280976, MONDO:0013775, OMIM 614486.

Submission:

Genomenon, Inc
Classification: Uncertain significance for Thrombomodulin-related bleeding disorder. Last evaluated: 2025-09-22. Review status: criteria provided, single submitter. Criteria: Genomenon Sequence Variant Interpretation Standards - Updated. Collection method: curation. Allele origin: germline. Affected: no.
Comment: THBD p.Glu429Ala (c.1286A>C) is a missense variant that changes the amino acid at residue 429 from Glutamic acid to Alanine. This variant has been reported in the published literature (PMID:8381415). It is absent or not present at a significant frequency in gnomAD. In conclusion, we classify THBD p.Glu429Ala (c.1286A>C) as a variant of unknown significance.

Literature cited by the submitters: PubMed 8381415.

NM_000361.3(THBD):c.1286A>C (p.Glu429Ala)

Gene: THBD (thrombomodulin; minus strand). Cytogenetic location: 20p11.21.
Variant type: single nucleotide variant.
Coding change: c.1286A>C on transcript NM_000361.3 (MANE Select); coding-DNA position 1286, A replaced by C.
Protein change: p.Glu429Ala; replaces glutamic acid 429 with alanine.
Molecular consequence: missense variant.
Genome position (GRCh38, 1-based): chr20:23,048,219, T>G on the plus strand (A>C on the coding strand, the complement: THBD is on the minus strand). VCF-style: chr20-23048219-T-G. GRCh37 (hg19) VCF-style: chr20-23028856-T-G.
Other names: short protein forms E429A.
Identifiers: ClinVar variation 4280540 (VCV004280540.1).
Genomic context (GRCh38, chr20:23,048,219, plus strand): 5'-CCGCCGTTTTCGCACTCGTCGATGTCCGTGCAGATGAAACCGTCGTCCAGGATGTAGCCT[T>G]CAGGGCACTCACAGCTAGCCTGGGTGTTGGGGTCGCAGTCGGCTGGACAGGCAGTCTGGT-3'
Protein context (NP_000352.1, residues 419-439): PNTQASCECP[Glu429Ala]GYILDDGFIC